The following is an entry in ClinVar:

ClinVar aggregate classification (germline): Likely benign (1 of 4 stars; one submission).

gnomAD v4.1: 43 of 1,541,760 alleles (0.0028%); highest among the groups gnomAD compares: African/African-American, 0.0069%; 1 homozygote.

Submission:

CeGaT Center for Human Genetics Tuebingen
Classification: Likely benign. Last evaluated: 2025-01-01. Review status: criteria provided, single submitter. Criteria: CeGaT Center For Human Genetics Tuebingen Variant Classification Criteria Version 2. Collection method: clinical testing. Allele origin: germline. Affected: yes. Observed: 1 variant allele.
Comment: KIF26A: BP4, BS2

NM_015656.2(KIF26A):c.4097C>T (p.Thr1366Met)

Gene: KIF26A (kinesin family member 26A; plus strand). Cytogenetic location: 14q32.33.
Variant type: single nucleotide variant.
Coding change: c.4097C>T on transcript NM_015656.2 (MANE Select); coding-DNA position 4097, C replaced by T.
Protein change: p.Thr1366Met; replaces threonine 1366 with methionine.
Molecular consequence: missense variant.
Genome position (GRCh38, 1-based): chr14:104,176,885, C>T. VCF-style: chr14-104176885-C-T. GRCh37 (hg19) VCF-style: chr14-104643222-C-T.
Other names: short protein forms T1366M.
Identifiers: ClinVar variation 3770588 (VCV003770588.13).